The following is an entry in ClinVar:

NM_000498.3(CYP11B2):c.240del

Genes: CYP11B2 (cytochrome P450 family 11 subfamily B member 2; minus strand), LOC106799834 (CYP11B2 recombination region; plus strand). Cytogenetic location: 8q24.3.
Variant type: Deletion.
Coding change: c.240del on transcript NM_000498.3 (MANE Select); coding-DNA position 240, one base deleted (G; older notation c.240delG).
Molecular consequence: splice acceptor variant.
Genome position (GRCh38, 1-based): chr8:142,917,214, C deleted on the plus strand (G on the coding strand, the reverse complement: CYP11B2 is on the minus strand); the first of 2 consecutive C bases (chr8:142,917,214-142,917,215); deleting either gives the same sequence. VCF-style (leftmost placement, unchanged base first): chr8-142917213-AC-A. GRCh37 (hg19) VCF-style: chr8-143998629-AC-A.
Identifiers: ClinVar variation 4065643 (VCV004065643.3).

ClinVar aggregate classification (germline): Pathogenic/Likely pathogenic. Review status: criteria provided, multiple submitters, no conflicts (2 of 4 stars). 2 submissions from 2 submitters: Pathogenic (1); Likely pathogenic (1). Last evaluated 2025-09-15.

Conditions:
Corticosterone methyl oxidase type II deficiency.

Submissions (2):

Labcorp Genetics (formerly Invitae), Labcorp
Classification: Pathogenic. Last evaluated: 2025-09-15. Review status: criteria provided, single submitter. Criteria: Invitae Variant Classification Sherloc (09022015). Collection method: clinical testing. Allele origin: germline.
Comment: This sequence change creates a premature translational stop signal (p.Arg80Serfs*12) in the CYP11B2 gene. It is expected to result in an absent or disrupted protein product. Loss-of-function variants in CYP11B2 are known to be pathogenic (PMID: 20494601, 22801770, 26936515). This variant is not present in population databases (gnomAD no frequency). This variant has not been reported in the literature in individuals affected with CYP11B2-related conditions. Algorithms developed to predict the effect of sequence changes on RNA splicing suggest that this variant may disrupt the consensus splice site. For these reasons, this variant has been classified as Pathogenic.

Natera, Inc.
Classification: Likely pathogenic for Corticosterone methyl oxidase type II deficiency. Last evaluated: 2025-04-07. Review status: criteria provided, single submitter. Criteria: Natera Variant Classification Schema (03/2026). Collection method: clinical testing. Allele origin: germline.
Comment: The c.240del variant in CYP11B2 is a frameshift variant predicted to shift the reading frame beginning at codon 80 and leads to a stop codon 12 codons downstream. This variant is expected to result in nonsense mediated decay, truncation, or a dysfunctional protein product. This variant is rare in the general population with a frequency below the threshold expected for the associated phenotype(s). Given the available evidence, this variant is classified as Likely Pathogenic.

Literature cited by the submitters: PubMed 20494601 (cited by Labcorp Genetics (formerly Invitae), Labcorp); PubMed 22801770 (cited by Labcorp Genetics (formerly Invitae), Labcorp); PubMed 26936515 (cited by Labcorp Genetics (formerly Invitae), Labcorp).